The following is an entry in ClinVar:

NM_001854.4(COL11A1):c.4645T>A (p.Leu1549Met)

Gene: COL11A1 (collagen type XI alpha 1 chain; minus strand). Cytogenetic location: 1p21.1.
Variant type: single nucleotide variant.
Coding change: c.4645T>A on transcript NM_001854.4 (MANE Select); coding-DNA position 4645, T replaced by A.
Protein change: p.Leu1549Met; replaces leucine 1549 with methionine.
Molecular consequence: missense variant. On other transcripts: non-coding transcript variant (1).
Genome position (GRCh38, 1-based): chr1:102,887,020, A>T on the plus strand (T>A on the coding strand, the complement: COL11A1 is on the minus strand). VCF-style: chr1-102887020-A-T. GRCh37 (hg19) VCF-style: chr1-103352576-A-T.
Other names: c.4297T>A, p.Leu1433Met (NM_001168249.1, NM_080630.4); c.4528T>A, p.Leu1510Met (NM_001190709.2); c.4681T>A, p.Leu1561Met (NM_080629.3); c.4645T>A (NM_001854.3); short protein forms L1433M, L1510M, L1549M, L1561M.
Identifiers: ClinVar variation 1718670 (VCV001718670.6), dbSNP rs2524228605, ClinGen allele CA341212172.

ClinVar aggregate classification (germline): Uncertain significance. Review status: criteria provided, multiple submitters, no conflicts (2 of 4 stars). 2 submissions from 2 submitters: Uncertain significance (2). Last evaluated 2025-08-07.

Conditions:
Inborn genetic diseases. Identifiers: MedGen C0950123, MeSH D030342.

Allele frequency attached by ClinVar (database versions not stated): gnomAD exomes below 0.00001.
gnomAD v4.1: 1 of 1,613,894 alleles (0.000062%); highest among the groups gnomAD compares: Non-Finnish European, 0.000085%; no homozygotes.

Submissions (2):

Ambry Genetics
Classification: Uncertain significance for Inborn genetic diseases. Last evaluated: 2025-08-07. Review status: criteria provided, single submitter. Criteria: Ambry Variant Classification Scheme 2023. Collection method: clinical testing. Allele origin: germline.

Labcorp Genetics (formerly Invitae), Labcorp
Classification: Uncertain significance. Last evaluated: 2022-09-02. Review status: criteria provided, single submitter. Criteria: Invitae Variant Classification Sherloc (09022015). Collection method: clinical testing. Allele origin: germline.
Comment: In summary, the available evidence is currently insufficient to determine the role of this variant in disease. Therefore, it has been classified as a Variant of Uncertain Significance. Advanced modeling of protein sequence and biophysical properties (such as structural, functional, and spatial information, amino acid conservation, physicochemical variation, residue mobility, and thermodynamic stability) performed at Invitae indicates that this missense variant is not expected to disrupt COL11A1 protein function. This variant has not been reported in the literature in individuals affected with COL11A1-related conditions. This variant is not present in population databases (gnomAD no frequency). This sequence change replaces leucine, which is neutral and non-polar, with methionine, which is neutral and non-polar, at codon 1549 of the COL11A1 protein (p.Leu1549Met).